The following is an entry in ClinVar:

NM_033116.6(NEK9):c.2239C>T (p.Gln747Ter)

Gene: NEK9 (NIMA related kinase 9; minus strand). Cytogenetic location: 14q24.3.
Variant type: single nucleotide variant.
Coding change: c.2239C>T on transcript NM_033116.6 (MANE Select); coding-DNA position 2239, C replaced by T.
Protein change: p.Gln747Ter; replaces glutamine 747 with a stop codon.
Molecular consequence: nonsense.
Genome position (GRCh38, 1-based): chr14:75,091,473, G>A on the plus strand (C>T on the coding strand, the complement: NEK9 is on the minus strand). VCF-style: chr14-75091473-G-A. GRCh37 (hg19) VCF-style: chr14-75558176-G-A.
Other names: c.2275C>T, p.Gln759Ter (NM_001329237.2); c.1885C>T, p.Gln629Ter (NM_001329238.2); short protein forms Q629*, Q759*, Q747*.
Identifiers: ClinVar variation 2308656 (VCV002308656.2), dbSNP rs2503459108, ClinGen allele CA390440769.

ClinVar aggregate classification (germline): Pathogenic (1 of 4 stars; one submission).

Conditions:
Inborn genetic diseases. Identifiers: MedGen C0950123, MeSH D030342.

Submission:

Ambry Genetics
Classification: Pathogenic for Inborn genetic diseases. Last evaluated: 2022-09-26. Review status: criteria provided, single submitter. Criteria: Ambry Variant Classification Scheme 2023. Collection method: clinical testing. Allele origin: germline.
Comment: The c.2239C>T (p.Q747*) alteration, located in exon 19 (coding exon 19) of the NEK9 gene, consists of a C to T substitution at nucleotide position 2239. This changes the amino acid from a glutamine (Q) to a stop codon at amino acid position 747. This alteration is expected to result in loss of function by premature protein truncation or nonsense-mediated mRNA decay. This variant was not reported in population-based cohorts in the Genome Aggregation Database (gnomAD). Based on the available evidence, this alteration is classified as pathogenic.